The following is an entry in ClinVar:

NM_000090.4(COL3A1):c.1195-5C>T

Gene: COL3A1 (collagen type III alpha 1 chain; plus strand). Cytogenetic location: 2q32.2.
Variant type: single nucleotide variant.
Coding change: c.1195-5C>T on transcript NM_000090.4 (MANE Select); 5 bases into the intron before coding-DNA position 1195, C replaced by T.
Molecular consequence: intron variant.
Genome position (GRCh38, 1-based): chr2:188,994,229, C>T. VCF-style: chr2-188994229-C-T. GRCh37 (hg19) VCF-style: chr2-189858955-C-T.
Identifiers: ClinVar variation 2712269 (VCV002712269.6), dbSNP rs189949048, ClinGen allele CA073952.
Genomic context (GRCh38, chr2:188,994,229, plus strand): 5'-TAAGTGAGATATTCATAAAAGAACATTCAAGTTCGGCTAATATAGTGTCTTTGGTTTGTT[C>T]TTAGGGTCCCGCTGGCATTCCTGGAGCTCCTGGACTGATGGGAGCCCGGGGTCCTCCAGG-3'

ClinVar aggregate classification (germline): Likely benign. Review status: criteria provided, multiple submitters, no conflicts (2 of 4 stars). 3 submissions from 3 submitters: Likely benign (3). Last evaluated 2024-04-25.

Conditions:
Familial thoracic aortic aneurysm and aortic dissection (TAAD). Also called: Thoracic aortic aneurysms and dissections. Identifiers: Orphanet 91387, MedGen C4707243, MONDO:0019625.
Ehlers-Danlos syndrome, type 4 (EDSVASC). Also called: Ehlers-Danlos Syndrome Type IV; Ehlers-Danlos syndrome vascular type; Ehlers Danlos syndrome, ecchymotic type; Ehlers Danlos syndrome, arterial type; Ehlers Danlos syndrome, Sack-Barabas type. Identifiers: Orphanet 286, MedGen C0268338, MONDO:0017314, OMIM 130050.

Allele frequency attached by ClinVar (database versions not stated): gnomAD exomes 0.00001; ExAC 0.00002; gnomAD 0.00004; TOPMed 0.00004; ESP Exome Variant Server 0.00008; 1000 Genomes Project 0.00020; 1000 Genomes Project 30x 0.00031.
gnomAD v4.1: 9 of 1,614,016 alleles (0.00056%); highest among the groups gnomAD compares: African/African-American, 0.012%; no homozygotes.

Submissions (3):

All of Us Research Program, National Institutes of Health
Classification: Likely benign for Ehlers-Danlos syndrome, type 4. Last evaluated: 2024-04-25. Review status: criteria provided, single submitter. Criteria: ACMG Guidelines, 2015. Collection method: clinical testing. Allele origin: germline. Inheritance: Autosomal dominant inheritance. Observed: 3 variant alleles, 3 heterozygotes.
Comment: This study involves interpretation of variants in research participants for the purpose of population health screening. Participant phenotype was not available at the time of variant classification. Additional details can be found in publication PMID: 35346344, PMCID: PMC8962531

Labcorp Genetics (formerly Invitae), Labcorp
Classification: Likely benign for Ehlers-Danlos syndrome, type 4. Last evaluated: 2024-02-14. Review status: criteria provided, single submitter. Criteria: Invitae Variant Classification Sherloc (09022015). Collection method: clinical testing. Allele origin: germline.

Color Diagnostics, LLC DBA Color Health
Classification: Likely benign for Familial thoracic aortic aneurysm and aortic dissection. Last evaluated: 2023-03-16. Review status: criteria provided, single submitter. Criteria: ACMG Guidelines, 2015. Collection method: clinical testing. Allele origin: germline.